The following is an entry in ClinVar:

ClinVar aggregate classification (germline): Conflicting classifications of pathogenicity. Review status: criteria provided, conflicting classifications (1 of 4 stars). 2 submissions from 2 submitters: Uncertain significance (1); Likely benign (1). Last evaluated 2024-04-24.

Conditions:
Chromosome 2q32-q33 deletion syndrome (GLASS). Also called: Glass syndrome; 2q33.1 deletion syndrome. Identifiers: Orphanet 251019, MedGen C2676739, MONDO:0012864, OMIM 612313.
Inborn genetic diseases. Identifiers: MedGen C0950123, MeSH D030342.

Allele frequency attached by ClinVar (database versions not stated): ExAC 0.00001; TOPMed 0.00001.
gnomAD v4.1: 24 of 1,613,306 alleles (0.0015%); highest among the groups gnomAD compares: South Asian, 0.019%; no homozygotes.

Submissions (2):

Labcorp Genetics (formerly Invitae), Labcorp
Classification: Uncertain significance for Chromosome 2q32-q33 deletion syndrome. Last evaluated: 2024-04-24. Review status: criteria provided, single submitter. Criteria: Invitae Variant Classification Sherloc (09022015). Collection method: clinical testing. Allele origin: germline.
Comment: This sequence change replaces isoleucine, which is neutral and non-polar, with valine, which is neutral and non-polar, at codon 474 of the SATB2 protein (p.Ile474Val). This variant is present in population databases (rs765116524, gnomAD 0.01%). This variant has not been reported in the literature in individuals affected with SATB2-related conditions. ClinVar contains an entry for this variant (Variation ID: 838898). Advanced modeling performed at Invitae incorporating data from internal and/or published experimental studies (Invitae) indicates that this missense variant is not expected to disrupt SATB2 function with a negative predictive value of 95%. In summary, the available evidence is currently insufficient to determine the role of this variant in disease. Therefore, it has been classified as a Variant of Uncertain Significance.

Ambry Genetics
Classification: Likely benign for Inborn genetic diseases. Last evaluated: 2024-01-30. Review status: criteria provided, single submitter. Criteria: Ambry Variant Classification Scheme 2023. Collection method: clinical testing. Allele origin: germline.

NM_001172509.2(SATB2):c.1420A>G (p.Ile474Val)

Gene: SATB2 (SATB homeobox 2; minus strand). Cytogenetic location: 2q33.1.
Variant type: single nucleotide variant.
Coding change: c.1420A>G on transcript NM_001172509.2 (MANE Select); coding-DNA position 1420, A replaced by G.
Protein change: p.Ile474Val; replaces isoleucine 474 with valine.
Molecular consequence: missense variant.
Genome position (GRCh38, 1-based): chr2:199,323,925, T>C on the plus strand (A>G on the coding strand, the complement: SATB2 is on the minus strand). VCF-style: chr2-199323925-T-C. GRCh37 (hg19) VCF-style: chr2-200188648-T-C.
Other names: c.1420A>G, p.Ile474Val (NM_001172517.1, NM_015265.4); short protein forms I474V.
Identifiers: ClinVar variation 838898 (VCV000838898.11), dbSNP rs765116524, ClinGen allele CA2045884.